The following is an entry in ClinVar:

ClinVar aggregate classification (germline): Uncertain significance. Review status: criteria provided, multiple submitters, no conflicts (2 of 4 stars). 2 submissions from 2 submitters: Uncertain significance (2). Last evaluated 2025-01-05.

Allele frequency attached by ClinVar (database versions not stated): gnomAD exomes below 0.00001; ExAC 0.00001; gnomAD 0.00001; TOPMed 0.00002.
gnomAD v4.1: 4 of 1,613,928 alleles (0.00025%); highest among the groups gnomAD compares: South Asian, 0.0033%; no homozygotes.

Submissions (2):

Ambry Genetics
Classification: Uncertain significance. Last evaluated: 2025-01-05. Review status: criteria provided, single submitter. Criteria: Ambry Variant Classification Scheme 2023. Collection method: clinical testing. Allele origin: germline.
Comment: The p.I46V variant (also known as c.136A>G), located in coding exon 2 of the RECQL gene, results from an A to G substitution at nucleotide position 136. The isoleucine at codon 46 is replaced by valine, an amino acid with highly similar properties. This amino acid position is conserved. In addition, this alteration is predicted to be tolerated by in silico analysis. Since supporting evidence is limited at this time, the clinical significance of this alteration remains unclear.

Labcorp Genetics (formerly Invitae), Labcorp
Classification: Uncertain significance. Last evaluated: 2023-08-22. Review status: criteria provided, single submitter. Criteria: Invitae Variant Classification Sherloc (09022015). Collection method: clinical testing. Allele origin: germline.
Comment: In summary, the available evidence is currently insufficient to determine the role of this variant in disease. Therefore, it has been classified as a Variant of Uncertain Significance. An algorithm developed to predict the effect of missense changes on protein structure and function (PolyPhen-2) suggests that this variant is likely to be tolerated. ClinVar contains an entry for this variant (Variation ID: 1771003). This variant has not been reported in the literature in individuals affected with RECQL-related conditions. This variant is present in population databases (rs773201145, gnomAD 0.007%). This sequence change replaces isoleucine, which is neutral and non-polar, with valine, which is neutral and non-polar, at codon 46 of the RECQL protein (p.Ile46Val).

NM_002907.4(RECQL):c.136A>G (p.Ile46Val)

Gene: RECQL (RecQ like helicase; minus strand). Cytogenetic location: 12p12.1.
Variant type: single nucleotide variant.
Coding change: c.136A>G on transcript NM_002907.4 (MANE Select); coding-DNA position 136, A replaced by G.
Protein change: p.Ile46Val; replaces isoleucine 46 with valine.
Molecular consequence: missense variant.
Genome position (GRCh38, 1-based): chr12:21,491,597, T>C on the plus strand (A>G on the coding strand, the complement: RECQL is on the minus strand). VCF-style: chr12-21491597-T-C. GRCh37 (hg19) VCF-style: chr12-21644531-T-C.
Other names: c.136A>G, p.Ile46Val (NM_032941.3); short protein forms I46V.
Identifiers: ClinVar variation 1771003 (VCV001771003.6), dbSNP rs773201145, ClinGen allele CA6479196.